The following is an entry in ClinVar:

NM_006016.6(CD164):c.373A>G (p.Lys125Glu)

Gene: CD164 (CD164 molecule; minus strand). Cytogenetic location: 6q21.
Variant type: single nucleotide variant.
Coding change: c.373A>G on transcript NM_006016.6 (MANE Select); coding-DNA position 373, A replaced by G.
Protein change: p.Lys125Glu; replaces lysine 125 with glutamic acid.
Molecular consequence: missense variant. On other transcripts: intron variant (1).
Genome position (GRCh38, 1-based): chr6:109,370,465, T>C on the plus strand (A>G on the coding strand, the complement: CD164 is on the minus strand). VCF-style: chr6-109370465-T-C. GRCh37 (hg19) VCF-style: chr6-109691668-T-C.
Other names: c.334A>G, p.Lys112Glu (NM_001142401.3); c.373A>G, p.Lys125Glu (NM_001142403.3, NM_001142404.3); c.271A>G, p.Lys91Glu (NM_001346500.2); c.371-1448A>G (NM_001142402.3); short protein forms K112E, K125E, K91E.
Identifiers: ClinVar variation 4891462 (VCV004891462.1).

ClinVar aggregate classification (germline): Uncertain significance (1 of 4 stars; one submission).

gnomAD v4.1: 39 of 1,611,946 alleles (0.0024%); highest among the groups gnomAD compares: Non-Finnish European, 0.0032%; no homozygotes.

Submission:

GeneDx
Classification: Uncertain significance. Last evaluated: 2024-02-23. Review status: criteria provided, single submitter. Criteria: GeneDx Variant Classification Process June 2021. Collection method: clinical testing. Allele origin: germline.
Comment: Not observed at significant frequency in large population cohorts (gnomAD); In silico analysis supports that this missense variant does not alter protein structure/function; Has not been previously published as pathogenic or benign to our knowledge; Variants in candidate genes are classified as variants of uncertain significance in accordance with ACMG guidelines (PMID: 25741868)